The following is an entry in ClinVar:

NM_000782.5(CYP24A1):c.991-1G>T

Gene: CYP24A1 (cytochrome P450 family 24 subfamily A member 1; minus strand). Cytogenetic location: 20q13.2.
Variant type: single nucleotide variant.
Coding change: c.991-1G>T on transcript NM_000782.5 (MANE Select); the canonical splice acceptor site of the intron before coding-DNA position 991, G replaced by T.
Molecular consequence: splice acceptor variant.
Genome position (GRCh38, 1-based): chr20:54,159,124, C>A on the plus strand (G>T on the coding strand, the complement: CYP24A1 is on the minus strand). VCF-style: chr20-54159124-C-A. GRCh37 (hg19) VCF-style: chr20-52775663-C-A.
Other names: c.991-1G>T (NM_001128915.2, NM_001424343.1, NM_001424342.1 and 2 more transcripts).
Identifiers: ClinVar variation 5019625 (VCV005019625.2).

ClinVar aggregate classification (germline): Likely pathogenic (1 of 4 stars; one submission).

Conditions:
Hypercalcemia, infantile, 1 (HCINF1). Identifiers: Orphanet 300547, MedGen CN031131, MONDO:0020739, OMIM 143880.

Submission:

Juno Genomics, Hangzhou Juno Genomics, Inc
Classification: Likely pathogenic for Hypercalcemia, infantile, 1. Review status: criteria provided, single submitter. Criteria: ACMG Guidelines, 2015. Collection method: clinical testing. Allele origin: germline.
Comment: Absent from controls (or at extremely low frequency if recessive) in Genome Aggregation Database.;Null variant in a gene where loss of function (LOF) is a known mechanism of disease.